The following is an entry in ClinVar:

NM_001367561.1(DOCK7):c.2910T>A (p.Ser970Arg)

Gene: DOCK7 (dedicator of cytokinesis 7; minus strand). Cytogenetic location: 1p31.3.
Variant type: single nucleotide variant.
Coding change: c.2910T>A on transcript NM_001367561.1 (MANE Select); coding-DNA position 2910, T replaced by A.
Protein change: p.Ser970Arg; replaces serine 970 with arginine.
Molecular consequence: missense variant.
Genome position (GRCh38, 1-based): chr1:62,543,695, A>T on the plus strand (T>A on the coding strand, the complement: DOCK7 is on the minus strand). VCF-style: chr1-62543695-A-T. GRCh37 (hg19) VCF-style: chr1-63009366-A-T.
Other names: c.2910T>A, p.Ser970Arg (NM_001271999.2, NM_001330614.2); c.2817T>A, p.Ser939Arg (NM_001272000.2, NM_001272001.2, NM_033407.4); short protein forms S939R, S970R.
Identifiers: ClinVar variation 972511 (VCV000972511.10), dbSNP rs1645608938, ClinGen allele CA340614474.

ClinVar aggregate classification (germline): Uncertain significance (1 of 4 stars; one submission).

Conditions:
Developmental and epileptic encephalopathy, 23 (DEE23). Also called: Epileptic encephalopathy, early infantile, 23. Identifiers: Orphanet 411986, MedGen C4014492, MONDO:0014371, OMIM 615859.

Submission:

Labcorp Genetics (formerly Invitae), Labcorp
Classification: Uncertain significance for Developmental and epileptic encephalopathy, 23. Last evaluated: 2019-10-09. Review status: criteria provided, single submitter. Criteria: Invitae Variant Classification Sherloc (09022015). Collection method: clinical testing. Allele origin: germline.
Comment: In summary, the available evidence is currently insufficient to determine the role of this variant in disease. Therefore, it has been classified as a Variant of Uncertain Significance. This sequence change replaces serine with arginine at codon 970 of the DOCK7 protein (p.Ser970Arg). The serine residue is moderately conserved and there is a moderate physicochemical difference between serine and arginine. This variant is not present in population databases (ExAC no frequency). This variant has not been reported in the literature in individuals with DOCK7-related conditions. Algorithms developed to predict the effect of missense changes on protein structure and function are either unavailable or do not agree on the potential impact of this missense change (SIFT: "Deleterious"; PolyPhen-2: "Benign"; Align-GVGD: "Class C0").